The following is an entry in ClinVar:

NM_001018115.3(FANCD2):c.3670C>T (p.Pro1224Ser)

Genes: FANCD2 (FA complementation group D2; plus strand), FANCD2OS (FANCD2 opposite strand; minus strand). Cytogenetic location: 3p25.3.
Variant type: single nucleotide variant.
Coding change: c.3670C>T on transcript NM_001018115.3 (MANE Select); coding-DNA position 3670, C replaced by T.
Protein change: p.Pro1224Ser; replaces proline 1224 with serine.
Molecular consequence: missense variant. On other transcripts: intron variant (1).
Genome position (GRCh38, 1-based): chr3:10,088,937, C>T. VCF-style: chr3-10088937-C-T. GRCh37 (hg19) VCF-style: chr3-10130621-C-T.
Other names: c.3670C>T, p.Pro1224Ser (NM_001319984.2, NM_001374254.1, NM_033084.6); c.3559C>T, p.Pro1187Ser (NM_001374253.1); c.*44-7406G>A (NM_173472.2); short protein forms P1187S, P1224S.
Identifiers: ClinVar variation 3623913 (VCV003623913.2).
Genomic context (GRCh38, chr3:10,088,937, plus strand): 5'-GCTGGTGTTGGTGTCCCAGAACTGATCAACTCTCCTAAAGATGCATCTTCCTCCACATTC[C>T]CTACACTGACCAGGTAAGGGAGTTCTTTCCTCCAGTTTTTCCCTTAAGATAGAATCATCA-3'
Protein context (NP_001018125.1, residues 1214-1234): SPKDASSSTF[Pro1224Ser]TLTRHTFVVF

ClinVar aggregate classification (germline): Uncertain significance (1 of 4 stars; one submission).

Conditions:
Fanconi anemia (FA). Also called: Fanconi's anemia. Identifiers: Orphanet 84, MedGen C0015625, MeSH D005199, MONDO:0019391.

gnomAD v4.1: 2 of 1,614,052 alleles (0.00012%); no homozygotes.

Submission:

Labcorp Genetics (formerly Invitae), Labcorp
Classification: Uncertain significance for Fanconi anemia. Last evaluated: 2024-11-18. Review status: criteria provided, single submitter. Criteria: Invitae Variant Classification Sherloc (09022015). Collection method: clinical testing. Allele origin: germline.
Comment: This sequence change replaces proline, which is neutral and non-polar, with serine, which is neutral and polar, at codon 1224 of the FANCD2 protein (p.Pro1224Ser). This variant is not present in population databases (gnomAD no frequency). This variant has not been reported in the literature in individuals affected with FANCD2-related conditions. Invitae Evidence Modeling of protein sequence and biophysical properties (such as structural, functional, and spatial information, amino acid conservation, physicochemical variation, residue mobility, and thermodynamic stability) indicates that this missense variant is expected to disrupt FANCD2 protein function with a positive predictive value of 80%. In summary, the available evidence is currently insufficient to determine the role of this variant in disease. Therefore, it has been classified as a Variant of Uncertain Significance.